The following is an entry in ClinVar:

ClinVar aggregate classification (germline): Benign/Likely benign. Review status: criteria provided, multiple submitters, no conflicts (2 of 4 stars). 3 submissions from 3 submitters: Benign (1); Likely benign (1). 1 of the submissions does not count toward it. Last evaluated 2025-11-03.

Conditions:
IL17RC-related disorder. Also called: IL17RC-related condition.
Candidiasis, familial, 9 (CANDF9). Identifiers: Orphanet 1334, MedGen C4225324, MONDO:0014642, OMIM 616445.

Allele frequency attached by ClinVar (database versions not stated): 1000 Genomes Project 0.00399; gnomAD 0.00027 and 0.00054; TOPMed 0.00047; gnomAD exomes 0.00082 and 0.00085; ExAC 0.00098; 1000 Genomes Project 30x 0.00344.

Submissions (3):

Labcorp Genetics (formerly Invitae), Labcorp
Classification: Benign for Candidiasis, familial, 9. Last evaluated: 2025-11-03. Review status: criteria provided, single submitter. Criteria: Invitae Variant Classification Sherloc (09022015). Collection method: clinical testing. Allele origin: germline.

Mayo Clinic Laboratories, Mayo Clinic
Classification: Likely benign. Last evaluated: 2025-02-26. Review status: criteria provided, single submitter. Criteria: ACMG Guidelines, 2015. Collection method: clinical testing. Allele origin: germline. Observed: 1 variant allele.
Comment: BS2, BP4_moderate

PreventionGenetics, part of Exact Sciences
Classification: Benign for IL17RC-related condition. Last evaluated: 2024-02-09. Review status: no assertion criteria provided. Collection method: clinical testing. Allele origin: germline. Not counted in ClinVar's aggregate classification.
Comment: This variant is classified as benign based on ACMG/AMP sequence variant interpretation guidelines (Richards et al. 2015 PMID: 25741868, with internal and published modifications).

NM_153460.4(IL17RC):c.105+62G>A

Gene: IL17RC (interleukin 17 receptor C; plus strand). Cytogenetic location: 3p25.3.
Variant type: single nucleotide variant.
Coding change: c.105+62G>A on transcript NM_153460.4 (MANE Select); 62 bases into the intron after coding-DNA position 105, G replaced by A.
Molecular consequence: intron variant. On other transcripts: missense variant (1).
Genome position (GRCh38, 1-based): chr3:9,917,482, G>A. VCF-style: chr3-9917482-G-A. GRCh37 (hg19) VCF-style: chr3-9959166-G-A.
Other names: p.Ser56Asn; c.167G>A, p.Ser56Asn (NM_153461.4); c.105+62G>A (NM_001203263.2, NM_001203264.2, NM_001367278.1 and 4 more transcripts); short protein forms S56N.
Identifiers: ClinVar variation 710716 (VCV000710716.13), dbSNP rs75116348, ClinGen allele CA2246667.
Genomic context (GRCh38, chr3:9,917,482, plus strand): 5'-TGAGTCTGGAACCCTGGGGAGACGAGGAAAGGCTCAGGGTTCAGTTTTTGGCTCAGCAAA[G>A]CCTTAGCCTGGCTCCTGTCACTGCTGCCACTGCCAGAACTGCCCTGTCTGGTCTGTCTGG-3'